The following is an entry in ClinVar:

ClinVar aggregate classification (germline): Benign/Likely benign. Review status: criteria provided, multiple submitters, no conflicts (2 of 4 stars). 12 submissions from 12 submitters: Benign (5); Likely benign (2). 5 of the submissions do not count toward it. Last evaluated 2026-02-01.

Conditions:
Collagen 6-related myopathy. Identifiers: MedGen CN117976, MONDO:0100225.
Bethlem myopathy 1A. Also called: Bethlem myopathy 1; Bethlem Muscular Dystrophy; MYOPATHY, BENIGN CONGENITAL, WITH CONTRACTURES. Identifiers: Orphanet 610, MedGen CN029274, MONDO:0024530, OMIM 158810.

Allele frequency attached by ClinVar (database versions not stated): gnomAD 0.01008 and 0.01504; gnomAD exomes 0.01656 and 0.02870; TOPMed 0.01426; 1000 Genomes Project 0.04992; ESP Exome Variant Server 0.00669; 1000 Genomes Project 30x 0.04763; ExAC 0.03046.
gnomAD v4.1: 26,695 of 1,614,024 alleles (1.7%); highest among the groups gnomAD compares: East Asian, 18%; 1,375 homozygotes.

Submissions 1 to 29 of 41:

Labcorp Genetics (formerly Invitae), Labcorp
Classification: Benign for Bethlem myopathy 1A. Last evaluated: 2026-02-01. Review status: criteria provided, single submitter. Criteria: Invitae Variant Classification Sherloc (09022015). Collection method: clinical testing. Allele origin: germline.

Illumina Laboratory Services, Illumina
Classification: Benign for Collagen VI-related myopathy. Last evaluated: 2018-01-13. Review status: criteria provided, single submitter. Criteria: ICSL Variant Classification Criteria 13 December 2019. Collection method: clinical testing. Allele origin: germline.
Comment: This variant was observed in the ICSL laboratory as part of a predisposition screen in an ostensibly healthy population. It had not been previously curated by ICSL or reported in the Human Gene Mutation Database (HGMD: prior to June 1st, 2018), and was therefore a candidate for classification through an automated scoring system. Utilizing variant allele frequency, disease prevalence and penetrance estimates, and inheritance mode, an automated score was calculated to assess if this variant is too frequent to cause the disease. Based on the score and internal cut-off values, a variant classified as benign is not then subjected to further curation. The score for this variant resulted in a classification of benign for this disease.

Mayo Clinic Laboratories, Mayo Clinic
Classification: Benign. Last evaluated: 2017-10-10. Review status: criteria provided, single submitter. Criteria: ACMG Guidelines, 2015. Collection method: clinical testing. Allele origin: germline. Observed: 28 variant alleles.

GeneDx
Classification: Benign. Last evaluated: 2016-02-26. Review status: criteria provided, single submitter. Criteria: GeneDx Variant Classification (06012015). Collection method: clinical testing. Allele origin: germline. Affected: yes.
Comment: This variant is considered likely benign or benign based on one or more of the following criteria: it is a conservative change, it occurs at a poorly conserved position in the protein, it is predicted to be benign by multiple in silico algorithms, and/or has population frequency not consistent with disease.

Eurofins Ntd Llc (ga)
Classification: Benign. Last evaluated: 2013-12-19. Review status: criteria provided, single submitter. Criteria: EGL Classification Definitions 2015. Collection method: clinical testing. Allele origin: germline. Observed: 6 variant alleles, 4 heterozygotes, 2 homozygotes.

Breakthrough Genomics
Classification: Likely benign. Review status: criteria provided, single submitter. Criteria: ACMG Guidelines, 2015. Collection method: not provided. Allele origin: germline. Inheritance: Autosomal recessive inheritance. Affected: yes.

PreventionGenetics, part of Exact Sciences
Classification: Likely benign. Review status: criteria provided, single submitter. Criteria: ACMG Guidelines, 2015. Collection method: clinical testing. Allele origin: germline.

Clinical Genetics, Academic Medical Center
Classification: Benign. Review status: no assertion criteria provided. Collection method: clinical testing. Allele origin: germline. Affected: yes. Study: VKGL Data-share Consensus. Not counted in ClinVar's aggregate classification.

Dr. Peter K. Rogan Lab, Western University
No classification provided (evidence only). Condition: Clear cell carcinoma of kidney. Review status: no classification provided. Collection method: in vitro. Allele origin: not applicable. Functional consequence: retained intron. Not counted in ClinVar's aggregate classification.

Dr. Peter K. Rogan Lab, Western University
No classification provided (evidence only). Condition: Lung cancer. Review status: no classification provided. Collection method: in vitro. Allele origin: not applicable. Functional consequence: retained intron. Not counted in ClinVar's aggregate classification.

Dr. Peter K. Rogan Lab, Western University
No classification provided (evidence only). Condition: Melanoma. Review status: no classification provided. Collection method: in vitro. Allele origin: not applicable. Functional consequence: retained intron. Not counted in ClinVar's aggregate classification.

Dr. Peter K. Rogan Lab, Western University
No classification provided (evidence only). Condition: Melanoma. Review status: no classification provided. Collection method: in vitro. Allele origin: not applicable. Functional consequence: retained intron. Not counted in ClinVar's aggregate classification.

Dr. Peter K. Rogan Lab, Western University
No classification provided (evidence only). Condition: Acute myeloid leukemia. Review status: no classification provided. Collection method: in vitro. Allele origin: not applicable. Functional consequence: retained intron. Not counted in ClinVar's aggregate classification.

Dr. Peter K. Rogan Lab, Western University
No classification provided (evidence only). Condition: Thyroid cancer, nonmedullary, 1. Review status: no classification provided. Collection method: in vitro. Allele origin: not applicable. Functional consequence: retained intron. Not counted in ClinVar's aggregate classification.

Dr. Peter K. Rogan Lab, Western University
No classification provided (evidence only). Condition: Thyroid cancer, nonmedullary, 1. Review status: no classification provided. Collection method: in vitro. Allele origin: not applicable. Functional consequence: retained intron. Not counted in ClinVar's aggregate classification.

Dr. Peter K. Rogan Lab, Western University
No classification provided (evidence only). Condition: Thyroid cancer, nonmedullary, 1. Review status: no classification provided. Collection method: in vitro. Allele origin: not applicable. Functional consequence: retained intron. Not counted in ClinVar's aggregate classification.

Dr. Peter K. Rogan Lab, Western University
No classification provided (evidence only). Condition: Uterine corpus endometrial carcinoma. Review status: no classification provided. Collection method: in vitro. Allele origin: not applicable. Functional consequence: retained intron. Not counted in ClinVar's aggregate classification.

Dr. Peter K. Rogan Lab, Western University
No classification provided (evidence only). Condition: Uterine corpus endometrial carcinoma. Review status: no classification provided. Collection method: in vitro. Allele origin: not applicable. Functional consequence: skipped exon. Not counted in ClinVar's aggregate classification.

Dr. Peter K. Rogan Lab, Western University
No classification provided (evidence only). Condition: Cervical cancer. Review status: no classification provided. Collection method: in vitro. Allele origin: not applicable. Functional consequence: retained intron. Not counted in ClinVar's aggregate classification.

Dr. Peter K. Rogan Lab, Western University
No classification provided (evidence only). Condition: Cervical cancer. Review status: no classification provided. Collection method: in vitro. Allele origin: not applicable. Functional consequence: retained intron. Not counted in ClinVar's aggregate classification.

Dr. Peter K. Rogan Lab, Western University
No classification provided (evidence only). Condition: Sarcoma. Review status: no classification provided. Collection method: in vitro. Allele origin: not applicable. Functional consequence: retained intron. Not counted in ClinVar's aggregate classification.

Dr. Peter K. Rogan Lab, Western University
No classification provided (evidence only). Condition: Sarcoma. Review status: no classification provided. Collection method: in vitro. Allele origin: not applicable. Functional consequence: retained intron. Not counted in ClinVar's aggregate classification.

Dr. Peter K. Rogan Lab, Western University
No classification provided (evidence only). Condition: Nonpapillary renal cell carcinoma. Review status: no classification provided. Collection method: in vitro. Allele origin: not applicable. Functional consequence: skipped exon, retained intron. Not counted in ClinVar's aggregate classification.

Dr. Peter K. Rogan Lab, Western University
No classification provided (evidence only). Condition: Nonpapillary renal cell carcinoma. Review status: no classification provided. Collection method: in vitro. Allele origin: not applicable. Functional consequence: retained intron. Not counted in ClinVar's aggregate classification.

Dr. Peter K. Rogan Lab, Western University
No classification provided (evidence only). Condition: Thymoma. Review status: no classification provided. Collection method: in vitro. Allele origin: not applicable. Functional consequence: retained intron. Not counted in ClinVar's aggregate classification.

Dr. Peter K. Rogan Lab, Western University
No classification provided (evidence only). Condition: Thymoma. Review status: no classification provided. Collection method: in vitro. Allele origin: not applicable. Functional consequence: skipped exon, retained intron. Not counted in ClinVar's aggregate classification.

Dr. Peter K. Rogan Lab, Western University
No classification provided (evidence only). Condition: Ovarian serous cystadenocarcinoma. Review status: no classification provided. Collection method: in vitro. Allele origin: not applicable. Functional consequence: retained intron. Not counted in ClinVar's aggregate classification.

Dr. Peter K. Rogan Lab, Western University
No classification provided (evidence only). Condition: Ovarian serous cystadenocarcinoma. Review status: no classification provided. Collection method: in vitro. Allele origin: not applicable. Functional consequence: retained intron. Not counted in ClinVar's aggregate classification.

Dr. Peter K. Rogan Lab, Western University
No classification provided (evidence only). Condition: Uterine carcinosarcoma. Review status: no classification provided. Collection method: in vitro. Allele origin: not applicable. Functional consequence: retained intron. Not counted in ClinVar's aggregate classification.

NM_001848.3(COL6A1):c.2441A>G (p.Lys814Arg)

Gene: COL6A1 (collagen type VI alpha 1 chain; plus strand). Cytogenetic location: 21q22.3.
Variant type: single nucleotide variant.
Coding change: c.2441A>G on transcript NM_001848.3 (MANE Select); coding-DNA position 2441, A replaced by G.
Protein change: p.Lys814Arg; replaces lysine 814 with arginine.
Molecular consequence: missense variant.
Genome position (GRCh38, 1-based): chr21:46,003,126, A>G. VCF-style: chr21-46003126-A-G. GRCh37 (hg19) VCF-style: chr21-47423040-A-G.
Identifiers: ClinVar variation 93859 (VCV000093859.28), dbSNP rs11553518, ClinGen allele CA147374.
Genomic context (GRCh38, chr21:46,003,126, plus strand): 5'-CGGGGTTATAGGTGGAGCAGTGGGCTCACACTGCACGGCTTTTCTCTTTTACAGACAAGA[A>G]GTGTCCAGATTACACCTGCCCCAGTGAGTACCTCGGCGGCCGGGACACGTGGGGAGGAGG-3'
Protein context (NP_001839.2, residues 804-824): NVTAQICIDK[Lys814Arg]CPDYTCPITF